The following is an entry in ClinVar:

ClinVar aggregate classification (germline): Uncertain significance (1 of 4 stars; one submission).

Conditions:
Diamond-Blackfan anemia. Also called: Blackfan Diamond syndrome; Aregenerative anemia chronic congenital; Red cell aplasia, pure hereditary; Congenital hypoplastic anemia; Aase syndrome. Identifiers: Orphanet 124, MedGen C1260899, MeSH D029503, MONDO:0015253, HP:0004810.

Allele frequency attached by ClinVar (database versions not stated): ExAC 0.00002; gnomAD 0.00002; gnomAD exomes 0.00002; TOPMed 0.00002.
gnomAD v4.1: 25 of 1,613,778 alleles (0.0015%); highest among the groups gnomAD compares: African/African-American, 0.0027%; no homozygotes.

Submission:

Labcorp Genetics (formerly Invitae), Labcorp
Classification: Uncertain significance for Diamond-Blackfan anemia. Last evaluated: 2022-03-04. Review status: criteria provided, single submitter. Criteria: Invitae Variant Classification Sherloc (09022015). Collection method: clinical testing. Allele origin: germline.
Comment: Algorithms developed to predict the effect of missense changes on protein structure and function (SIFT, PolyPhen-2, Align-GVGD) all suggest that this variant is likely to be tolerated. In summary, the available evidence is currently insufficient to determine the role of this variant in disease. Therefore, it has been classified as a Variant of Uncertain Significance. This sequence change replaces alanine, which is neutral and non-polar, with threonine, which is neutral and polar, at codon 17 of the RPS19 protein (p.Ala17Thr). This variant is present in population databases (rs782329429, gnomAD 0.007%). This variant has not been reported in the literature in individuals affected with RPS19-related conditions.

NM_001022.4(RPS19):c.49G>A (p.Ala17Thr)

Genes: RPS19 (ribosomal protein S19; plus strand), RPS19-CD79A (RPS19-CD79A readthrough; plus strand). Cytogenetic location: 19q13.2.
Variant type: single nucleotide variant.
Coding change: c.49G>A on transcript NM_001022.4 (MANE Select); coding-DNA position 49, G replaced by A.
Protein change: p.Ala17Thr; replaces alanine 17 with threonine.
Molecular consequence: missense variant.
Genome position (GRCh38, 1-based): chr19:41,860,823, G>A. VCF-style: chr19-41860823-G-A. GRCh37 (hg19) VCF-style: chr19-42364893-G-A.
Other names: c.49G>A, p.Ala17Thr (NM_001321483.2, NM_001321484.2, NM_001321485.2); short protein forms A17T.
Identifiers: ClinVar variation 2157202 (VCV002157202.4), dbSNP rs782329429, ClinGen allele CA9465263.